The following is an entry in ClinVar:

ClinVar aggregate classification (germline): Uncertain significance. Review status: criteria provided, multiple submitters, no conflicts (2 of 4 stars). 3 submissions from 3 submitters: Uncertain significance (3). Last evaluated 2024-03-06.

Conditions:
Marfan syndrome (MFS). Also called: Marfan syndrome, classic; Marfan syndrome type 1; Marfan's syndrome; FBN1-Related Marfan Syndrome; MARFAN SYNDROME, TYPE I. Identifiers: Orphanet 284963, Orphanet 558, MedGen C0024796, MONDO:0007947, OMIM 154700.
Familial thoracic aortic aneurysm and aortic dissection (TAAD). Also called: Thoracic aortic aneurysms and dissections. Identifiers: Orphanet 91387, MedGen C4707243, MONDO:0019625.

Submissions (3):

Color Diagnostics, LLC DBA Color Health
Classification: Uncertain significance for Familial thoracic aortic aneurysm and aortic dissection. Last evaluated: 2024-03-06. Review status: criteria provided, single submitter. Criteria: ACMG Guidelines, 2015. Collection method: clinical testing. Allele origin: germline.
Comment: This missense variant replaces threonine with isoleucine at codon 2398 of the FBN1 protein. Computational prediction is inconclusive regarding the impact of this variant on protein structure and function (internally defined REVEL score threshold 0.5 < inconclusive < 0.7, PMID: 27666373). To our knowledge, functional studies have not been reported for this variant. This variant has not been reported in individuals affected with FBN1-related disorders in the literature. This variant has not been identified in the general population by the Genome Aggregation Database (gnomAD). The available evidence is insufficient to determine the role of this variant in disease conclusively. Therefore, this variant is classified as a Variant of Uncertain Significance.

All of Us Research Program, National Institutes of Health
Classification: Uncertain significance for Marfan syndrome. Last evaluated: 2023-10-23. Review status: criteria provided, single submitter. Criteria: ACMG Guidelines, 2015. Collection method: clinical testing. Allele origin: germline. Inheritance: Autosomal dominant inheritance. Observed: 1 variant allele, 1 heterozygote.
Comment: This missense variant replaces threonine with isoleucine at codon 2398 of the FBN1 protein. Computational prediction tools and conservation analyses are inconclusive regarding the impact of this variant on the protein function. Computational splicing tools suggest that this variant may not impact RNA splicing. To our knowledge, functional assays have not been performed for this variant nor has this variant been reported in individuals affected with cardiovascular disorders in the literature. This variant has not been identified in the general population by the Genome Aggregation Database (gnomAD). Available evidence is insufficient to determine the role of this variant in disease conclusively. Therefore, this variant is classified as a Variant of Uncertain Significance.

This study involves interpretation of variants in research participants for the purpose of population health screening. Participant phenotype was not available at the time of variant classification. Additional details can be found in publication PMID: 35346344, PMCID: PMC8962531

Labcorp Genetics (formerly Invitae), Labcorp
Classification: Uncertain significance for Marfan syndrome; Familial thoracic aortic aneurysm and aortic dissection. Last evaluated: 2022-11-03. Review status: criteria provided, single submitter. Criteria: Invitae Variant Classification Sherloc (09022015). Collection method: clinical testing. Allele origin: germline.
Comment: This sequence change replaces threonine, which is neutral and polar, with isoleucine, which is neutral and non-polar, at codon 2398 of the FBN1 protein (p.Thr2398Ile). This variant is not present in population databases (gnomAD no frequency). This variant has not been reported in the literature in individuals affected with FBN1-related conditions. ClinVar contains an entry for this variant (Variation ID: 922516). Advanced modeling of protein sequence and biophysical properties (such as structural, functional, and spatial information, amino acid conservation, physicochemical variation, residue mobility, and thermodynamic stability) has been performed at Invitae for this missense variant, however the output from this modeling did not meet the statistical confidence thresholds required to predict the impact of this variant on FBN1 protein function. In summary, the available evidence is currently insufficient to determine the role of this variant in disease. Therefore, it has been classified as a Variant of Uncertain Significance.

NM_000138.5(FBN1):c.7193C>T (p.Thr2398Ile)

Gene: FBN1 (fibrillin 1; minus strand). Cytogenetic location: 15q21.1.
Variant type: single nucleotide variant.
Coding change: c.7193C>T on transcript NM_000138.5 (MANE Select); coding-DNA position 7193, C replaced by T.
Protein change: p.Thr2398Ile; replaces threonine 2398 with isoleucine.
Molecular consequence: missense variant.
Genome position (GRCh38, 1-based): chr15:48,427,578, G>A on the plus strand (C>T on the coding strand, the complement: FBN1 is on the minus strand). VCF-style: chr15-48427578-G-A. GRCh37 (hg19) VCF-style: chr15-48719775-G-A.
Other names: short protein forms T2398I.
Identifiers: ClinVar variation 922516 (VCV000922516.9), dbSNP rs1169351376, ClinGen allele CA392329089.